The following is an entry in ClinVar:

NM_001321120.2(TBX4):c.64G>T (p.Gly22Ter)

Gene: TBX4 (T-box transcription factor 4; plus strand). Cytogenetic location: 17q23.2.
Variant type: single nucleotide variant.
Coding change: c.64G>T on transcript NM_001321120.2 (MANE Select); coding-DNA position 64, G replaced by T.
Protein change: p.Gly22Ter; replaces glycine 22 with a stop codon.
Molecular consequence: nonsense.
Genome position (GRCh38, 1-based): chr17:61,456,554, G>T. VCF-style: chr17-61456554-G-T. GRCh37 (hg19) VCF-style: chr17-59533915-G-T.
Other names: c.64G>T, p.Gly22Ter (NM_018488.3); short protein forms G22*.
Identifiers: ClinVar variation 1341425 (VCV001341425.5), dbSNP rs747369610, ClinGen allele CA400468788.

ClinVar aggregate classification (germline): Pathogenic. Review status: criteria provided, single submitter (1 of 4 stars). 2 submissions from 2 submitters: Pathogenic (1). 1 of the submissions does not count toward it. Last evaluated 2023-05-18.

Conditions:
Pulmonary hypertension, primary, 1 (PPH1). Also called: Pulmonary hypertension, familial primary, 1, with or without HHT. Identifiers: Orphanet 422, MedGen C4552070, MONDO:0024533, OMIM 178600.

Submissions (2):

Labcorp Genetics (formerly Invitae), Labcorp
Classification: Pathogenic. Last evaluated: 2023-05-18. Review status: criteria provided, single submitter. Criteria: Invitae Variant Classification Sherloc (09022015). Collection method: clinical testing. Allele origin: germline.
Comment: For these reasons, this variant has been classified as Pathogenic. ClinVar contains an entry for this variant (Variation ID: 1341425). This premature translational stop signal has been observed in individual(s) with pulmonary arterial hypertension (PMID: 30578397). This variant is not present in population databases (gnomAD no frequency). This sequence change creates a premature translational stop signal (p.Gly22*) in the TBX4 gene. It is expected to result in an absent or disrupted protein product. Loss-of-function variants in TBX4 are known to be pathogenic (PMID: 15106123, 31151956, 31761294, 31965066, 32079640).

Wendy Chung Laboratory, Boston Children's Hospital
No classification provided. Condition: Pulmonary hypertension, primary, 1. Review status: no classification provided. Collection method: literature only. Allele origin: unknown. Affected: yes. Not counted in ClinVar's aggregate classification.

Literature cited by the submitters: PubMed 30578397 (cited by Labcorp Genetics (formerly Invitae), Labcorp and Wendy Chung Laboratory, Boston Children's Hospital); PubMed 15106123 (cited by Labcorp Genetics (formerly Invitae), Labcorp); PubMed 31151956 (cited by Labcorp Genetics (formerly Invitae), Labcorp); PubMed 31761294 (cited by Labcorp Genetics (formerly Invitae), Labcorp); PubMed 31965066 (cited by Labcorp Genetics (formerly Invitae), Labcorp); PubMed 32079640 (cited by Labcorp Genetics (formerly Invitae), Labcorp).